The following is an entry in ClinVar:

NM_001114753.3(ENG):c.679_689+7del

Gene: ENG (endoglin; minus strand). Cytogenetic location: 9q34.11.
Variant type: Deletion.
Coding change: c.679_689+7del on transcript NM_001114753.3 (MANE Select); coding-DNA position 679 through 7 bases into the intron after coding-DNA position 689, 18 bases deleted (CACTCGGCCGGGTATGGC).
Molecular consequence: splice donor variant.
Genome position (GRCh38, 1-based): chr9:127,825,688-127,825,705, GCCATACCCGGCCGAGTG deleted on the plus strand (CACTCGGCCGGGTATGGC on the coding strand, the reverse complement: ENG is on the minus strand); deleting any 18 consecutive bases within chr9:127,825,688-127,825,708 gives the same sequence; the c. name uses the placement nearest the transcript's 3' end. VCF-style (leftmost placement, unchanged base first): chr9-127825687-AGCCATACCCGGCCGAGTG-A. GRCh37 (hg19) VCF-style: chr9-130587966-AGCCATACCCGGCCGAGTG-A.
Other names: c.679_689+7del (NM_000118.4, NM_001406715.1); c.133_143+7del (NM_001278138.2).
Identifiers: ClinVar variation 2709695 (VCV002709695.3), dbSNP rs2539075688, ClinGen allele CA2697558069.

ClinVar aggregate classification (germline): Likely pathogenic (1 of 4 stars; one submission).

Conditions:
Hereditary hemorrhagic telangiectasia (HHT). Also called: ORW DISEASE; Osler Weber Rendu syndrome; OSLER-RENDU-WEBER DISEASE; Osler hemorrhagic telangiectasia syndrome. Identifiers: Orphanet 774, MedGen C0039445, MONDO:0019180. Disease mechanism: loss of function.

Submission:

Labcorp Genetics (formerly Invitae), Labcorp
Classification: Likely pathogenic for Hereditary hemorrhagic telangiectasia. Last evaluated: 2024-01-16. Review status: criteria provided, single submitter. Criteria: Invitae Variant Classification Sherloc (09022015). Collection method: clinical testing. Allele origin: germline.
Comment: This variant results in the deletion of part of exon 5 (c.679_689+7del) of the ENG gene. It is expected to disrupt RNA splicing. Variants that disrupt the donor or acceptor splice site typically lead to a loss of protein function (PMID: 16199547), and loss-of-function variants in ENG are known to be pathogenic (PMID: 15879500). This variant is not present in population databases (gnomAD no frequency). This variant has been observed in individual(s) with clinical features of hereditary hemorrhagic telangiectasia (Invitae). In summary, the currently available evidence indicates that the variant is pathogenic, but additional data are needed to prove that conclusively. Therefore, this variant has been classified as Likely Pathogenic.

Literature cited by the submitters: PubMed 16199547; PubMed 15879500.